The following is an entry in ClinVar:

ClinVar aggregate classification (germline): Benign/Likely benign. Review status: criteria provided, multiple submitters, no conflicts (2 of 4 stars). 2 submissions from 2 submitters: Benign (1); Likely benign (1). Last evaluated 2026-07-27.

Conditions:
Hereditary cancer-predisposing syndrome. Also called: Tumor predisposition; Hereditary Cancer Syndrome; Neoplastic Syndromes, Hereditary; Hereditary neoplastic syndrome. Identifiers: Orphanet 140162, MedGen C0027672, MeSH D009386, MONDO:0015356.
Familial adenomatous polyposis 1 (FAP1). Also called: FAMILIAL ADENOMATOUS POLYPOSIS 1, ATTENUATED; POLYPOSIS, ADENOMATOUS INTESTINAL. Identifiers: MedGen C2713442, MONDO:0021056, OMIM 175100. Disease mechanism: loss of function.

Submissions (2):

Ambry Genetics
Classification: Likely benign for Hereditary cancer-predisposing syndrome. Last evaluated: 2026-07-27. Review status: criteria provided, single submitter. Criteria: Ambry Variant Classification Scheme 2023. Collection method: clinical testing. Allele origin: germline.

Myriad Genetics, Inc.
Classification: Benign for Familial adenomatous polyposis 1. Last evaluated: 2024-03-06. Review status: criteria provided, single submitter. Criteria: Myriad Autosomal Dominant, Autosomal Recessive and X-Linked Classification Criteria (2023). Collection method: clinical testing. Allele origin: unknown.
Comment: This variant is considered benign. This variant is a silent/synonymous amino acid change and it is not expected to impact splicing.

NM_000038.6(APC):c.1701A>C (p.Gly567=)

Gene: APC (APC regulator of Wnt signaling pathway; plus strand). Cytogenetic location: 5q22.2.
Variant type: single nucleotide variant.
Coding change: c.1701A>C on transcript NM_000038.6 (MANE Select); coding-DNA position 1701, A replaced by C.
Protein change: p.Gly567=; no amino-acid change (glycine 567 retained).
Molecular consequence: synonymous variant.
Genome position (GRCh38, 1-based): chr5:112,828,930, A>C. VCF-style: chr5-112828930-A-C. GRCh37 (hg19) VCF-style: chr5-112164627-A-C.
Other names: c.1701A>C (NM_000038.5); c.1701A>C, p.Gly567= (NM_001127510.3, NM_001354895.2, NM_001407450.1); c.1647A>C, p.Gly549= (NM_001127511.3); c.1755A>C, p.Gly585= (NM_001354896.2, NM_001407447.1, NM_001407448.1 and 1 more transcripts); c.1731A>C, p.Gly577= (NM_001354897.2); c.1626A>C, p.Gly542= (NM_001354898.2); c.1617A>C, p.Gly539= (NM_001354899.2); c.1578A>C, p.Gly526= (NM_001354900.2); and 12 more.
Identifiers: ClinVar variation 3148188 (VCV003148188.2), dbSNP rs2149817832, ClinGen allele CA445757412.